The following is an entry in ClinVar:

NM_006767.4(LZTR1):c.1727T>G (p.Leu576Arg)

Gene: LZTR1 (leucine zipper like post translational regulator 1; plus strand). Cytogenetic location: 22q11.21.
Variant type: single nucleotide variant.
Coding change: c.1727T>G on transcript NM_006767.4 (MANE Select); coding-DNA position 1727, T replaced by G.
Protein change: p.Leu576Arg; replaces leucine 576 with arginine.
Molecular consequence: missense variant.
Genome position (GRCh38, 1-based): chr22:20,994,669, T>G. VCF-style: chr22-20994669-T-G. GRCh37 (hg19) VCF-style: chr22-21348958-T-G.
Other names: short protein forms L576R.
Identifiers: ClinVar variation 2454224 (VCV002454224.4), dbSNP rs1417884903, ClinGen allele CA410778106.

ClinVar aggregate classification (germline): Uncertain significance. Review status: criteria provided, multiple submitters, no conflicts (2 of 4 stars). 2 submissions from 2 submitters: Uncertain significance (2). Last evaluated 2025-01-26.

Conditions:
Hereditary cancer-predisposing syndrome. Also called: Neoplastic Syndromes, Hereditary; Hereditary neoplastic syndrome; Tumor predisposition; Hereditary Cancer Syndrome. Identifiers: Orphanet 140162, MedGen C0027672, MeSH D009386, MONDO:0015356.
Cardiovascular phenotype. Identifiers: MedGen CN230736.

Allele frequency attached by ClinVar (database versions not stated): gnomAD 0.00001.
gnomAD v4.1: 1 of 1,612,880 alleles (0.000062%); highest among the groups gnomAD compares: Non-Finnish European, 0.000085%; no homozygotes.

Submissions (2):

Labcorp Genetics (formerly Invitae), Labcorp
Classification: Uncertain significance. Last evaluated: 2025-01-26. Review status: criteria provided, single submitter. Criteria: Invitae Variant Classification Sherloc (09022015). Collection method: clinical testing. Allele origin: germline.
Comment: This sequence change replaces leucine, which is neutral and non-polar, with arginine, which is basic and polar, at codon 576 of the LZTR1 protein (p.Leu576Arg). This variant is present in population databases (no rsID available, gnomAD 0.007%). This variant has not been reported in the literature in individuals affected with LZTR1-related conditions. ClinVar contains an entry for this variant (Variation ID: 2454224). Invitae Evidence Modeling of protein sequence and biophysical properties (such as structural, functional, and spatial information, amino acid conservation, physicochemical variation, residue mobility, and thermodynamic stability) indicates that this missense variant is not expected to disrupt LZTR1 protein function with a negative predictive value of 80%. In summary, the available evidence is currently insufficient to determine the role of this variant in disease. Therefore, it has been classified as a Variant of Uncertain Significance.

Ambry Genetics
Classification: Uncertain significance for Cardiovascular phenotype; Hereditary cancer-predisposing syndrome. Last evaluated: 2023-02-04. Review status: criteria provided, single submitter. Criteria: Ambry Variant Classification Scheme 2023. Collection method: clinical testing. Allele origin: germline.
Comment: The p.L576R variant (also known as c.1727T>G), located in coding exon 15 of the LZTR1 gene, results from a T to G substitution at nucleotide position 1727. The leucine at codon 576 is replaced by arginine, an amino acid with dissimilar properties. This amino acid position is conserved. In addition, this alteration is predicted to be deleterious by in silico analysis. Since supporting evidence is limited at this time, the clinical significance of this alteration remains unclear.